The following is an entry in ClinVar:

ClinVar aggregate classification (germline): Pathogenic/Likely pathogenic. Review status: criteria provided, multiple submitters, no conflicts (2 of 4 stars). 2 submissions from 2 submitters: Pathogenic (1); Likely pathogenic (1). Last evaluated 2024-05-24.

Conditions:
Congenital myasthenic syndrome 4A. Also called: CONGENITAL MYASTHENIC SYNDROME TYPE Ia1; MYASTHENIC SYNDROME, CONGENITAL, 4A, SLOW-CHANNEL, AUTOSOMAL RECESSIVE; Myasthenic syndrome, congenital, 4a, slow-channel. Identifiers: Orphanet 590, MedGen C4225413, MONDO:0011600, OMIM 605809.

Submissions (2):

Labcorp Genetics (formerly Invitae), Labcorp
Classification: Pathogenic for Congenital myasthenic syndrome 4A. Last evaluated: 2024-05-24. Review status: criteria provided, single submitter. Criteria: Invitae Variant Classification Sherloc (09022015). Collection method: clinical testing. Allele origin: germline.
Comment: This sequence change creates a premature translational stop signal (p.Arg371Profs*23) in the CHRNE gene. It is expected to result in an absent or disrupted protein product. Loss-of-function variants in CHRNE are known to be pathogenic (PMID: 22678886). This variant is not present in population databases (gnomAD no frequency). This variant has not been reported in the literature in individuals affected with CHRNE-related conditions. For these reasons, this variant has been classified as Pathogenic.

Baylor Genetics
Classification: Likely pathogenic for Congenital myasthenic syndrome 4A. Last evaluated: 2023-02-14. Review status: criteria provided, single submitter. Criteria: ACMG Guidelines, 2015. Collection method: clinical testing. Allele origin: unknown.

Literature cited by the submitters: PubMed 22678886 (cited by Labcorp Genetics (formerly Invitae), Labcorp).

NM_000080.4(CHRNE):c.1086_1111dup (p.Arg371fs)

Genes: CHRNE (cholinergic receptor nicotinic epsilon subunit; minus strand), LOC130060041 (ATAC-STARR-seq lymphoblastoid silent region 8050; plus strand). Cytogenetic location: 17p13.2.
Variant type: Duplication.
Coding change: c.1086_1111dup on transcript NM_000080.4 (MANE Select); coding-DNA positions 1086 to 1111, 26 bases duplicated (CCCCCGGGCCGCCTCGCCCCCAAGGC).
Protein change: p.Arg371fs; shifts the reading frame from arginine 371.
Molecular consequence: frameshift variant.
Genome position (GRCh38, 1-based): chr17:4,899,306-4,899,331, GCCTTGGGGGCGAGGCGGCCCGGGGG duplicated on the plus strand (CCCCCGGGCCGCCTCGCCCCCAAGGC on the coding strand, the reverse complement: CHRNE is on the minus strand); duplicating any 26 consecutive bases within chr17:4,899,306-4,899,335 gives the same sequence; the c. name uses the placement nearest the transcript's 3' end. VCF-style (leftmost placement, unchanged base first): chr17-4899305-C-CGCCTTGGGGGCGAGGCGGCCCGGGGG. GRCh37 (hg19) VCF-style: chr17-4802600-C-CGCCTTGGGGGCGAGGCGGCCCGGGGG.
Other names: short protein forms R371fs.
Identifiers: ClinVar variation 2680800 (VCV002680800.3), dbSNP rs2507541545, ClinGen allele CA2695201216.